The following is an entry in ClinVar:

ClinVar aggregate classification (germline): Uncertain significance. Review status: criteria provided, multiple submitters, no conflicts (2 of 4 stars). 2 submissions from 2 submitters: Uncertain significance (2). Last evaluated 2025-01-16.

Conditions:
KMT2B-related disorder. Also called: KMT2B-related condition; KMT2B-related disorders. Identifiers: MedGen CN381338.

Submissions (2):

PreventionGenetics, part of Exact Sciences
Classification: Uncertain significance for KMT2B-related condition. Last evaluated: 2025-01-16. Review status: criteria provided, single submitter. Criteria: ACMG Guidelines, 2015. Collection method: clinical testing. Allele origin: germline.
Comment: The KMT2B c.2123C>T variant is predicted to result in the amino acid substitution p.Ala708Val. To our knowledge, this variant has not been reported in the literature or in a large population database (gnomAD), indicating this variant is rare. At this time, the clinical significance of this variant is uncertain due to the absence of conclusive functional and genetic evidence.

Labcorp Genetics (formerly Invitae), Labcorp
Classification: Uncertain significance. Last evaluated: 2024-08-15. Review status: criteria provided, single submitter. Criteria: Invitae Variant Classification Sherloc (09022015). Collection method: clinical testing. Allele origin: germline.
Comment: This sequence change replaces alanine, which is neutral and non-polar, with valine, which is neutral and non-polar, at codon 708 of the KMT2B protein (p.Ala708Val). This variant is not present in population databases (gnomAD no frequency). This variant has not been reported in the literature in individuals affected with KMT2B-related conditions. Invitae Evidence Modeling of protein sequence and biophysical properties (such as structural, functional, and spatial information, amino acid conservation, physicochemical variation, residue mobility, and thermodynamic stability) indicates that this missense variant is not expected to disrupt KMT2B protein function with a negative predictive value of 95%. In summary, the available evidence is currently insufficient to determine the role of this variant in disease. Therefore, it has been classified as a Variant of Uncertain Significance.

NM_014727.3(KMT2B):c.2123C>T (p.Ala708Val)

Gene: KMT2B (lysine methyltransferase 2B; plus strand). Cytogenetic location: 19q13.12.
Variant type: single nucleotide variant.
Coding change: c.2123C>T on transcript NM_014727.3 (MANE Select); coding-DNA position 2123, C replaced by T.
Protein change: p.Ala708Val; replaces alanine 708 with valine.
Molecular consequence: missense variant.
Genome position (GRCh38, 1-based): chr19:35,721,470, C>T. VCF-style: chr19-35721470-C-T. GRCh37 (hg19) VCF-style: chr19-36212372-C-T.
Other names: c.2123C>T (NM_014727.2); short protein forms A708V.
Identifiers: ClinVar variation 3700981 (VCV003700981.3).
Genomic context (GRCh38, chr19:35,721,470, plus strand): 5'-CAGCTGAGCCTGAGCCTCGGGCAGTGGGCCGCACCAACCACCTCAGCCTGCCTCGATTCG[C>T]CCCTGTGGTCACCACTCCTGTTAAGGCCGAGGTGTCCCCTCACGGGGCTCCAGCTCTGAG-3'
Protein context (NP_055542.1, residues 698-718): RTNHLSLPRF[Ala708Val]PVVTTPVKAE